The following is an entry in ClinVar:

ClinVar aggregate classification (germline): Conflicting classifications of pathogenicity. Review status: criteria provided, conflicting classifications (1 of 4 stars). 3 submissions from 3 submitters: Uncertain significance (1); Likely benign (1). 1 of the submissions does not count toward it. Last evaluated 2025-07-24.

Conditions:
NHERF1-related disorder. Also called: NHERF1-related condition.
Inborn genetic diseases. Identifiers: MedGen C0950123, MeSH D030342.

Allele frequency attached by ClinVar (database versions not stated): 1000 Genomes Project 30x 0.00047; gnomAD 0.00082 and 0.00088; TOPMed 0.00093; ESP Exome Variant Server 0.00100; gnomAD exomes 0.00008 and 0.00023; ExAC 0.00027; 1000 Genomes Project 0.00040.
gnomAD v4.1: 246 of 1,614,146 alleles (0.015%); highest among the groups gnomAD compares: African/African-American, 0.3%; no homozygotes.

Submissions (3):

Labcorp Genetics (formerly Invitae), Labcorp
Classification: Likely benign. Last evaluated: 2025-07-24. Review status: criteria provided, single submitter. Criteria: Invitae Variant Classification Sherloc (09022015). Collection method: clinical testing. Allele origin: germline.

Ambry Genetics
Classification: Uncertain significance for Inborn genetic diseases. Last evaluated: 2024-12-05. Review status: criteria provided, single submitter. Criteria: Ambry Variant Classification Scheme 2023. Collection method: clinical testing. Allele origin: germline.

PreventionGenetics, part of Exact Sciences
Classification: Likely benign for NHERF1-related condition. Last evaluated: 2019-10-28. Review status: no assertion criteria provided. Collection method: clinical testing. Allele origin: germline. Not counted in ClinVar's aggregate classification.
Comment: This variant is classified as likely benign based on ACMG/AMP sequence variant interpretation guidelines (Richards et al. 2015 PMID: 25741868, with internal and published modifications).

NM_004252.5(NHERF1):c.518C>T (p.Ser173Phe)

Gene: NHERF1 (NHERF family PDZ scaffold protein 1; plus strand). Cytogenetic location: 17q25.1.
Variant type: single nucleotide variant.
Coding change: c.518C>T on transcript NM_004252.5 (MANE Select); coding-DNA position 518, C replaced by T.
Protein change: p.Ser173Phe; replaces serine 173 with phenylalanine.
Molecular consequence: missense variant.
Genome position (GRCh38, 1-based): chr17:74,762,088, C>T. VCF-style: chr17-74762088-C-T. GRCh37 (hg19) VCF-style: chr17-72758227-C-T.
Other names: c.518C>T (NM_004252.3); short protein forms S173F.
Identifiers: ClinVar variation 715086 (VCV000715086.13), dbSNP rs149161808, ClinGen allele CA8750613.
Genomic context (GRCh38, chr17:74,762,088, plus strand): 5'-GGCTCTGTACCATGAAGAAGGGCCCCAGTGGCTATGGCTTCAACCTGCACAGCGACAAGT[C>T]CAAGCCAGGCCAGTTCATCCGGTCAGTGGACCCAGACTCCCCGGCTGAGGCTTCAGGGCT-3'
Protein context (NP_004243.1, residues 163-183): GYGFNLHSDK[Ser173Phe]KPGQFIRSVD